The following is an entry in ClinVar:

ClinVar aggregate classification (germline): Uncertain significance (1 of 4 stars; one submission).

Conditions:
Brugada syndrome 8 (BRGDA8). Identifiers: Orphanet 130, MedGen C2751083, MONDO:0013148, OMIM 613123.

Submission:

Labcorp Genetics (formerly Invitae), Labcorp
Classification: Uncertain significance for Brugada syndrome 8. Last evaluated: 2024-09-23. Review status: criteria provided, single submitter. Criteria: Invitae Variant Classification Sherloc (09022015). Collection method: clinical testing. Allele origin: germline.
Comment: This sequence change replaces isoleucine, which is neutral and non-polar, with phenylalanine, which is neutral and non-polar, at codon 1086 of the HCN4 protein (p.Ile1086Phe). This variant is not present in population databases (gnomAD no frequency). This variant has not been reported in the literature in individuals affected with HCN4-related conditions. Invitae Evidence Modeling of protein sequence and biophysical properties (such as structural, functional, and spatial information, amino acid conservation, physicochemical variation, residue mobility, and thermodynamic stability) indicates that this missense variant is not expected to disrupt HCN4 protein function with a negative predictive value of 95%. In summary, the available evidence is currently insufficient to determine the role of this variant in disease. Therefore, it has been classified as a Variant of Uncertain Significance.

NM_005477.3(HCN4):c.3256A>T (p.Ile1086Phe)

Gene: HCN4 (hyperpolarization activated cyclic nucleotide gated potassium channel 4; minus strand). Cytogenetic location: 15q24.1.
Variant type: single nucleotide variant.
Coding change: c.3256A>T on transcript NM_005477.3 (MANE Select); coding-DNA position 3256, A replaced by T.
Protein change: p.Ile1086Phe; replaces isoleucine 1086 with phenylalanine.
Molecular consequence: missense variant.
Genome position (GRCh38, 1-based): chr15:73,322,837, T>A on the plus strand (A>T on the coding strand, the complement: HCN4 is on the minus strand). VCF-style: chr15-73322837-T-A. GRCh37 (hg19) VCF-style: chr15-73615178-T-A.
Other names: short protein forms I1086F.
Identifiers: ClinVar variation 3622417 (VCV003622417.2).
Genomic context (GRCh38, chr15:73,322,837, plus strand): 5'-GGGAGGCTCTGCGGAGAGTCTGCGCCCCGTCCTGAGGCAGGGCTGGCTGAGACGCGGAGA[T>A]GAGCTTGAGGTCCTGGGTGAGGCGGCCGGGGGTGAGCGGGGGTGTGCCCCGGCGCTGGGG-3'
Protein context (NP_005468.1, residues 1076-1096): PGRLTQDLKL[Ile1086Phe]SASQPALPQD